The following is an entry in ClinVar:

ClinVar aggregate classification (germline): Benign. Review status: criteria provided, multiple submitters, no conflicts (2 of 4 stars). 2 submissions from 2 submitters: Benign (2). Last evaluated 2018-01-13.

Conditions:
Charcot-Marie-Tooth disease type 4B1. Also called: CHARCOT-MARIE-TOOTH DISEASE, AUTOSOMAL RECESSIVE, WITH FOCALLY FOLDED MYELIN SHEATHS, AUTOSOMAL RECESSIVE, TYPE 4B1; CHARCOT-MARIE-TOOTH DISEASE, TYPE 4B; Charcot-Marie-Tooth Neuropathy Type 4B1; CHARCOT-MARIE-TOOTH DISEASE, DEMYELINATING, TYPE 4B1. Identifiers: Orphanet 99955, MedGen C1832399, MONDO:0011066, OMIM 601382.

Allele frequency attached by ClinVar (database versions not stated): 1000 Genomes Project 30x 0.19863; 1000 Genomes Project 0.20248; gnomAD 0.27446 and 0.27751; TOPMed 0.27456.

Submissions (2):

Illumina Laboratory Services, Illumina
Classification: Benign for Charcot-Marie-Tooth disease type 4B1. Last evaluated: 2018-01-13. Review status: criteria provided, single submitter. Criteria: ICSL Variant Classification Criteria 13 December 2019. Collection method: clinical testing. Allele origin: germline.
Comment: This variant was observed in the ICSL laboratory as part of a predisposition screen in an ostensibly healthy population. It had not been previously curated by ICSL or reported in the Human Gene Mutation Database (HGMD: prior to June 1st, 2018), and was therefore a candidate for classification through an automated scoring system. Utilizing variant allele frequency, disease prevalence and penetrance estimates, and inheritance mode, an automated score was calculated to assess if this variant is too frequent to cause the disease. Based on the score and internal cut-off values, a variant classified as benign is not then subjected to further curation. The score for this variant resulted in a classification of benign for this disease.

Breakthrough Genomics
Classification: Benign. Review status: criteria provided, single submitter. Criteria: ACMG Guidelines, 2015. Collection method: not provided. Allele origin: germline. Inheritance: Autosomal recessive inheritance. Affected: yes.

NM_016156.6(MTMR2):c.*1568C>T

Gene: MTMR2 (myotubularin related protein 2; minus strand). Cytogenetic location: 11q21.
Variant type: single nucleotide variant.
Coding change: c.*1568C>T on transcript NM_016156.6 (MANE Select); 1568 bases downstream of the stop codon, C replaced by T.
Molecular consequence: 3 prime UTR variant.
Genome position (GRCh38, 1-based): chr11:95,833,722, G>A on the plus strand (C>T on the coding strand, the complement: MTMR2 is on the minus strand). VCF-style: chr11-95833722-G-A. GRCh37 (hg19) VCF-style: chr11-95566886-G-A.
Other names: c.*1568C>T (NM_001243571.2, NM_201278.3, NM_201281.3).
Identifiers: ClinVar variation 306511 (VCV000306511.6), dbSNP rs596277, ClinGen allele CA10631750.
Genomic context (GRCh38, chr11:95,833,722, plus strand): 5'-TTCTTTTATGTGGTATCAGGCCAAGATAACCAAGGTTTAAATGAGGAAAATGGCAGATGC[G>A]TTTGTGAAATACTTGGAGTAGAAAGCTTAATTTTTAATTACTGATTTGCTAGCCACTTAA-3'